The following is an entry in ClinVar:

ClinVar aggregate classification (germline): Uncertain significance (1 of 4 stars; one submission).

Allele frequency attached by ClinVar (database versions not stated): ExAC 0.00001; gnomAD 0.00001; gnomAD exomes 0.00001 and 0.00003; TOPMed 0.00003.
gnomAD v4.1: 16 of 1,604,684 alleles (0.001%); highest among the groups gnomAD compares: Admixed American, 0.0085%; no homozygotes.

Submission:

Labcorp Genetics (formerly Invitae), Labcorp
Classification: Uncertain significance. Last evaluated: 2024-12-24. Review status: criteria provided, single submitter. Criteria: Invitae Variant Classification Sherloc (09022015). Collection method: clinical testing. Allele origin: germline.
Comment: This sequence change replaces valine, which is neutral and non-polar, with alanine, which is neutral and non-polar, at codon 683 of the MYO5B protein (p.Val683Ala). This variant is present in population databases (rs748367985, gnomAD 0.01%). This variant has not been reported in the literature in individuals affected with MYO5B-related conditions. ClinVar contains an entry for this variant (Variation ID: 1026949). Invitae Evidence Modeling of protein sequence and biophysical properties (such as structural, functional, and spatial information, amino acid conservation, physicochemical variation, residue mobility, and thermodynamic stability) indicates that this missense variant is expected to disrupt MYO5B protein function with a positive predictive value of 80%. In summary, the available evidence is currently insufficient to determine the role of this variant in disease. Therefore, it has been classified as a Variant of Uncertain Significance.

NM_001080467.3(MYO5B):c.2048T>C (p.Val683Ala)

Gene: MYO5B (myosin VB; minus strand). Cytogenetic location: 18q21.1.
Variant type: single nucleotide variant.
Coding change: c.2048T>C on transcript NM_001080467.3 (MANE Select); coding-DNA position 2048, T replaced by C.
Protein change: p.Val683Ala; replaces valine 683 with alanine.
Molecular consequence: missense variant.
Genome position (GRCh38, 1-based): chr18:49,929,554, A>G on the plus strand (T>C on the coding strand, the complement: MYO5B is on the minus strand). VCF-style: chr18-49929554-A-G. GRCh37 (hg19) VCF-style: chr18-47455924-A-G.
Other names: short protein forms V683A.
Identifiers: ClinVar variation 1026949 (VCV001026949.7), dbSNP rs748367985, ClinGen allele CA8961248.